The following is an entry in ClinVar:

NM_004006.3(DMD):c.10210dup (p.Asp3404fs)

Gene: DMD (dystrophin; minus strand). Cytogenetic location: Xp21.2.
Variant type: Duplication.
Coding change: c.10210dup on transcript NM_004006.3 (MANE Select); coding-DNA position 10210, one base duplicated (G; older notation c.10210dupG).
Protein change: p.Asp3404fs; shifts the reading frame from aspartic acid 3404.
Molecular consequence: frameshift variant.
Genome position (GRCh38, 1-based): chrX:31,178,682, C duplicated on the plus strand (G on the coding strand, the reverse complement: DMD is on the minus strand); the first of 5 consecutive C bases (chrX:31,178,682-31,178,686); duplicating any one gives the same sequence. VCF-style (leftmost placement, unchanged base first): chrX-31178681-T-TC. GRCh37 (hg19) VCF-style: chrX-31196798-T-TC.
Other names: c.10186dup, p.Asp3396fs (NM_000109.4); c.10198dup, p.Asp3400fs (NM_004009.3); c.9841dup, p.Asp3281fs (NM_004010.3); c.6187dup, p.Asp2063fs (NM_004011.4); c.6178dup, p.Asp2060fs (NM_004012.4); c.2830dup, p.Asp944fs (NM_004013.3, NM_004020.4, NM_004021.3 and 2 more transcripts); c.2023dup, p.Asp675fs (NM_004014.3); c.1006dup, p.Asp336fs (NM_004015.3, NM_004016.3, NM_004017.3 and 2 more transcripts); short protein forms D2060fs, D2063fs, D944fs, D675fs, D3281fs, D336fs, D3396fs, D3404fs.
Identifiers: ClinVar variation 931458 (VCV000931458.9), dbSNP rs2040821014, ClinGen allele CA1139667349.

ClinVar aggregate classification (germline): Pathogenic. Review status: criteria provided, multiple submitters, no conflicts (2 of 4 stars). 3 submissions from 3 submitters: Pathogenic (3). Last evaluated 2022-07-17.

Conditions:
DMD-related disorder. Also called: DMD-related condition.
Duchenne muscular dystrophy (DMD). Also called: Duchenne Muscular Dystrophy (DMD); MUSCULAR DYSTROPHY, PSEUDOHYPERTROPHIC PROGRESSIVE, DUCHENNE TYPE. Identifiers: Orphanet 98896, MedGen C0013264, MONDO:0010679, OMIM 310200.
Dilated cardiomyopathy 3B (CMD3B). Also called: CMD3B: DMD-Related Dilated Cardiomyopathy; CARDIOMYOPATHY, DILATED, X-LINKED; DMD-Associated Dilated Cardiomyopathy. Identifiers: Orphanet 154, MedGen C3668940, MONDO:0010542, OMIM 302045.

Submissions (3):

Labcorp Genetics (formerly Invitae), Labcorp
Classification: Pathogenic for Duchenne muscular dystrophy. Last evaluated: 2022-07-17. Review status: criteria provided, single submitter. Criteria: Invitae Variant Classification Sherloc (09022015). Collection method: clinical testing. Allele origin: germline.
Comment: ClinVar contains an entry for this variant (Variation ID: 931458). This premature translational stop signal has been observed in individual(s) with Duchenne muscular dystrophy (PMID: 28116794). This variant is not present in population databases (gnomAD no frequency). This sequence change creates a premature translational stop signal (p.Asp3404Glyfs*29) in the DMD gene. It is expected to result in an absent or disrupted protein product. Loss-of-function variants in DMD are known to be pathogenic (PMID: 16770791, 25007885). For these reasons, this variant has been classified as Pathogenic. Algorithms developed to predict the effect of sequence changes on RNA splicing suggest that this variant may disrupt the consensus splice site.

Blueprint Genetics
Classification: Pathogenic for DMD-related disorders. Last evaluated: 2022-04-05. Review status: criteria provided, single submitter. Criteria: ACMG Guidelines, 2015. Collection method: clinical testing. Allele origin: germline. Affected: yes. Observed: 2 variant alleles.

Centre for Mendelian Genomics, University Medical Centre Ljubljana
Classification: Pathogenic for Dilated cardiomyopathy 3B. Last evaluated: 2019-02-14. Review status: criteria provided, single submitter. Criteria: ACMG Guidelines, 2015. Collection method: clinical testing. Allele origin: unknown. Affected: yes.
Comment: This variant was classified as: Pathogenic. The following ACMG criteria were applied in classifying this variant: PVS1,PM2,PP4.

Literature cited by the submitters: PubMed 28116794 (cited by Labcorp Genetics (formerly Invitae), Labcorp); PubMed 16770791 (cited by Labcorp Genetics (formerly Invitae), Labcorp); PubMed 25007885 (cited by Labcorp Genetics (formerly Invitae), Labcorp).